The following is an entry in ClinVar:

NC_000007.14:g.(?_124823952)_(124871051_?)dup

Gene: POT1 (protection of telomeres 1; minus strand). Cytogenetic location: 7q31.33.
Variant type: Duplication.
Identifiers: ClinVar variation 831290 (VCV000831290.1).

ClinVar aggregate classification (germline): Uncertain significance (1 of 4 stars; one submission).

Conditions:
Tumor predisposition syndrome 3 (TPDS3). Also called: Glioma susceptibility 9; LONG TELOMERE SYNDROME, POT1-RELATED; POT1 Tumor Predisposition; Melanoma, cutaneous malignant, susceptibility to, 10. Identifiers: Orphanet 618, MedGen C4014476, MONDO:0014368, OMIM 615848.

Submission:

Labcorp Genetics (formerly Invitae), Labcorp
Classification: Uncertain significance for Melanoma, cutaneous malignant, susceptibility to, 10. Last evaluated: 2019-04-24. Review status: criteria provided, single submitter. Criteria: Invitae Variant Classification Sherloc (09022015). Collection method: clinical testing. Allele origin: germline.
Comment: This variant results in a copy number gain of the genomic region encompassing exons 7-19 of the POT1 gene. The 5' boundary is likely confined to intron 6. The 3' end of this event is unknown as it extends beyond the assayed region for this gene and therefore may encompass additional genes. As the precise location of this event is unknown, it may be in tandem or it may be located elsewhere in the genome. This variant has not been reported in the literature in individuals with POT1-related conditions. Experimental studies and prediction algorithms are not available for this variant, and the functional significance of the affected amino acid(s) is currently unknown. In summary, the available evidence is currently insufficient to determine the role of this variant in disease. Therefore, it has been classified as a Variant of Uncertain Significance.